The following is an entry in ClinVar:

NM_002202.3(ISL1):c.360T>C (p.Phe120=)

Gene: ISL1 (ISL LIM homeobox 1; plus strand). Cytogenetic location: 5q11.1.
Variant type: single nucleotide variant.
Coding change: c.360T>C on transcript NM_002202.3 (MANE Select); coding-DNA position 360, T replaced by C.
Protein change: p.Phe120=; no amino-acid change (phenylalanine 120 retained).
Molecular consequence: synonymous variant.
Genome position (GRCh38, 1-based): chr5:51,387,631, T>C. VCF-style: chr5-51387631-T-C. GRCh37 (hg19) VCF-style: chr5-50683465-T-C.
Identifiers: ClinVar variation 3357718 (VCV003357718.1).

ClinVar aggregate classification (germline): Likely benign (0 of 4 stars; one submission).

Conditions:
ISL1-related disorder. Also called: ISL1-related condition.

Submission:

PreventionGenetics, part of Exact Sciences
Classification: Likely benign for ISL1-related condition. Last evaluated: 2024-08-08. Review status: no assertion criteria provided. Collection method: clinical testing. Allele origin: germline.
Comment: This variant is classified as likely benign based on ACMG/AMP sequence variant interpretation guidelines (Richards et al. 2015 PMID: 25741868, with internal and published modifications).